The following is an entry in ClinVar:

ClinVar aggregate classification (germline): Uncertain significance (1 of 4 stars; one submission).

gnomAD v4.1: 3 of 1,614,066 alleles (0.00019%); highest among the groups gnomAD compares: Non-Finnish European, 0.00025%; no homozygotes.

Submission:

GeneDx
Classification: Uncertain significance. Last evaluated: 2024-08-28. Review status: criteria provided, single submitter. Criteria: GeneDx Variant Classification Process June 2021. Collection method: clinical testing. Allele origin: germline. Affected: yes.
Comment: Not observed at significant frequency in large population cohorts (gnomAD); In silico analysis supports that this missense variant has a deleterious effect on protein structure/function; Has not been previously published as pathogenic or benign to our knowledge

NM_021871.4(FGA):c.1381T>A (p.Cys461Ser)

Gene: FGA (fibrinogen alpha chain; minus strand). Cytogenetic location: 4q31.3.
Variant type: single nucleotide variant.
Coding change: c.1381T>A on transcript NM_021871.4 (MANE Select); coding-DNA position 1381, T replaced by A.
Protein change: p.Cys461Ser; replaces cysteine 461 with serine.
Molecular consequence: missense variant.
Genome position (GRCh38, 1-based): chr4:154,586,048, A>T on the plus strand (T>A on the coding strand, the complement: FGA is on the minus strand). VCF-style: chr4-154586048-A-T. GRCh37 (hg19) VCF-style: chr4-155507200-A-T.
Other names: c.1381T>A, p.Cys461Ser (NM_000508.5); short protein forms C461S.
Identifiers: ClinVar variation 3766066 (VCV003766066.1).